The following is an entry in ClinVar:

NM_017636.4(TRPM4):c.-12G>A

Gene: TRPM4 (transient receptor potential cation channel subfamily M member 4; plus strand). Cytogenetic location: 19q13.33.
Variant type: single nucleotide variant.
Coding change: c.-12G>A on transcript NM_017636.4 (MANE Select); 12 bases upstream of the start codon, G replaced by A.
Molecular consequence: 5 prime UTR variant.
Genome position (GRCh38, 1-based): chr19:49,157,855, G>A. VCF-style: chr19-49157855-G-A. GRCh37 (hg19) VCF-style: chr19-49661112-G-A.
Other names: c.-12G>A (NM_001195227.2, NM_001321281.2); c.-1384G>A (NM_001321282.2); c.-178G>A (NM_001321283.2); c.-341G>A (NM_001321285.2).
Identifiers: ClinVar variation 260834 (VCV000260834.17), dbSNP rs3760663, ClinGen allele CA9568633.

ClinVar aggregate classification (germline): Benign. Review status: criteria provided, multiple submitters, no conflicts (2 of 4 stars). 9 submissions from 9 submitters: Benign (7). 2 of the submissions do not count toward it. Last evaluated 2024-11-28.

Conditions:
Progressive familial heart block type IB (PFHB1B). Identifiers: Orphanet 871, MedGen C1970298, MONDO:0011474, OMIM 604559.

Allele frequency attached by ClinVar (database versions not stated): 1000 Genomes Project 30x 0.14600; 1000 Genomes Project 0.15036; TOPMed 0.19180; gnomAD 0.20754; ExAC 0.29375.
gnomAD v4.1: 408,488 of 1,534,342 alleles (27%); highest among the groups gnomAD compares: South Asian, 32%; 58,096 homozygotes.

Submissions (9):

Blueprint Genetics
Classification: Benign. Last evaluated: 2024-11-28. Review status: criteria provided, single submitter. Criteria: ACMG Guidelines, 2015. Collection method: clinical testing. Allele origin: germline.

Women's Health and Genetics/Laboratory Corporation of America, LabCorp
Classification: Benign. Last evaluated: 2023-04-04. Review status: criteria provided, single submitter. Criteria: LabCorp Variant Classification Summary - May 2015. Collection method: clinical testing. Allele origin: germline.

Illumina Laboratory Services, Illumina
Classification: Benign for Progressive familial heart block type IB. Last evaluated: 2018-01-13. Review status: criteria provided, single submitter. Criteria: ICSL Variant Classification Criteria 13 December 2019. Collection method: clinical testing. Allele origin: germline.
Comment: This variant was observed in the ICSL laboratory as part of a predisposition screen in an ostensibly healthy population. It had not been previously curated by ICSL or reported in the Human Gene Mutation Database (HGMD: prior to June 1st, 2018), and was therefore a candidate for classification through an automated scoring system. Utilizing variant allele frequency, disease prevalence and penetrance estimates, and inheritance mode, an automated score was calculated to assess if this variant is too frequent to cause the disease. Based on the score and internal cut-off values, a variant classified as benign is not then subjected to further curation. The score for this variant resulted in a classification of benign for this disease.

Eurofins Ntd Llc (ga)
Classification: Benign. Last evaluated: 2016-12-22. Review status: criteria provided, single submitter. Criteria: EGL Classification Definitions 2015. Collection method: clinical testing. Allele origin: germline. Observed: 1 variant allele, 1 heterozygote.

GeneDx
Classification: Benign. Last evaluated: 2016-09-27. Review status: criteria provided, single submitter. Criteria: GeneDx Variant Classification (06012015). Collection method: clinical testing. Allele origin: germline. Affected: yes.
Comment: This variant is considered likely benign or benign based on one or more of the following criteria: it is a conservative change, it occurs at a poorly conserved position in the protein, it is predicted to be benign by multiple in silico algorithms, and/or has population frequency not consistent with disease.

Breakthrough Genomics
Classification: Benign. Review status: criteria provided, single submitter. Criteria: ACMG Guidelines, 2015. Collection method: not provided. Allele origin: germline. Inheritance: Autosomal dominant inheritance. Affected: yes.

PreventionGenetics, part of Exact Sciences
Classification: Benign. Review status: criteria provided, single submitter. Criteria: ACMG Guidelines, 2015. Collection method: clinical testing. Allele origin: germline.

Clinical Genetics, Academic Medical Center
Classification: Benign. Review status: no assertion criteria provided. Collection method: clinical testing. Allele origin: germline. Affected: yes. Study: VKGL Data-share Consensus. Not counted in ClinVar's aggregate classification.

Joint Genome Diagnostic Labs from Nijmegen and Maastricht, Radboudumc and MUMC+
Classification: Benign. Review status: no assertion criteria provided. Collection method: clinical testing. Allele origin: germline. Affected: yes. Study: VKGL Data-share Consensus. Not counted in ClinVar's aggregate classification.